The following is an entry in ClinVar:

ClinVar aggregate classification (germline): Uncertain significance (1 of 4 stars; one submission).

Submission:

GeneDx
Classification: Uncertain significance. Last evaluated: 2025-06-15. Review status: criteria provided, single submitter. Criteria: GeneDx Variant Classification Process June 2021. Collection method: clinical testing. Allele origin: germline. Affected: yes.
Comment: Not observed at significant frequency in large population cohorts (gnomAD); In silico analysis suggests that this missense variant does not alter protein structure/function; Has not been previously published as pathogenic or benign to our knowledge

NM_000748.3(CHRNB2):c.1381C>G (p.Leu461Val)

Gene: CHRNB2 (cholinergic receptor nicotinic beta 2 subunit; plus strand). Cytogenetic location: 1q21.3.
Variant type: single nucleotide variant.
Coding change: c.1381C>G on transcript NM_000748.3 (MANE Select); coding-DNA position 1381, C replaced by G.
Protein change: p.Leu461Val; replaces leucine 461 with valine.
Molecular consequence: missense variant.
Genome position (GRCh38, 1-based): chr1:154,575,804, C>G. VCF-style: chr1-154575804-C-G. GRCh37 (hg19) VCF-style: chr1-154548280-C-G.
Other names: short protein forms L461V.
Identifiers: ClinVar variation 4537830 (VCV004537830.1).